The following is an entry in ClinVar:

NM_000138.5(FBN1):c.1836_1837+2delinsGGG

Gene: FBN1 (fibrillin 1; minus strand). Cytogenetic location: 15q21.1.
Variant type: Indel.
Coding change: c.1836_1837+2delinsGGG on transcript NM_000138.5 (MANE Select); coding-DNA position 1836 through the canonical splice donor site of the intron after coding-DNA position 1837, AGGT replaced by GGG.
Molecular consequence: splice donor variant.
Genome position (GRCh38, 1-based): chr15:48,508,580-48,508,583, ACCT replaced by CCC on the plus strand (AGGT replaced by GGG on the coding strand, the reverse complement: FBN1 is on the minus strand). VCF-style: chr15-48508580-ACCT-CCC. GRCh37 (hg19) VCF-style: chr15-48800777-ACCT-CCC.
Identifiers: ClinVar variation 968705 (VCV000968705.1), dbSNP rs2043731288, ClinGen allele CA1139663978.

ClinVar aggregate classification (germline): Likely pathogenic (1 of 4 stars; one submission).

Conditions:
Marfan syndrome (MFS). Also called: FBN1-Related Marfan Syndrome; MARFAN SYNDROME, TYPE I; Marfan syndrome type 1; Marfan's syndrome; Marfan syndrome, classic. Identifiers: Orphanet 284963, Orphanet 558, MedGen C0024796, MONDO:0007947, OMIM 154700.
Familial thoracic aortic aneurysm and aortic dissection (TAAD). Also called: Thoracic aortic aneurysms and dissections. Identifiers: Orphanet 91387, MedGen C4707243, MONDO:0019625.

Submission:

Labcorp Genetics (formerly Invitae), Labcorp
Classification: Likely pathogenic for Marfan syndrome; Familial thoracic aortic aneurysm and aortic dissection. Last evaluated: 2019-11-15. Review status: criteria provided, single submitter. Criteria: Invitae Variant Classification Sherloc (09022015). Collection method: clinical testing. Allele origin: germline.
Comment: This sequence change affects a donor splice site in intron 15 of the FBN1 gene. It is expected to disrupt RNA splicing and likely results in an absent or disrupted protein product. This variant is not present in population databases (ExAC no frequency). This variant has been observed in individual(s) with clinical features of Marfan syndrome (Invitae). Donor and acceptor splice site variants typically lead to a loss of protein function (PMID: 16199547), and loss-of-function variants in FBN1 are known to be pathogenic (PMID: 17657824, 19293843). In summary, the currently available evidence indicates that the variant is pathogenic, but additional data are needed to prove that conclusively. Therefore, this variant has been classified as Likely Pathogenic.

Literature cited by the submitters: PubMed 17657824; PubMed 19293843.